The following is an entry in ClinVar:

NM_024642.5(GALNT12):c.601C>G (p.Arg201Gly)

Gene: GALNT12 (polypeptide N-acetylgalactosaminyltransferase 12; plus strand). Cytogenetic location: 9q22.33.
Variant type: single nucleotide variant.
Coding change: c.601C>G on transcript NM_024642.5 (MANE Select); coding-DNA position 601, C replaced by G.
Protein change: p.Arg201Gly; replaces arginine 201 with glycine.
Molecular consequence: missense variant.
Genome position (GRCh38, 1-based): chr9:98,826,811, C>G. VCF-style: chr9-98826811-C-G. GRCh37 (hg19) VCF-style: chr9-101589093-C-G.
Other names: short protein forms R201G.
Identifiers: ClinVar variation 826137 (VCV000826137.10), dbSNP rs372616005, ClinGen allele CA5153998.

ClinVar aggregate classification (germline): Uncertain significance. Review status: criteria provided, multiple submitters, no conflicts (2 of 4 stars). 3 submissions from 3 submitters: Uncertain significance (3). Last evaluated 2025-02-10.

Conditions:
Colorectal cancer, susceptibility to, 1. Also called: COLORECTAL CANCER, SUSCEPTIBILITY TO, ON CHROMOSOME 9; COLORECTAL ADENOMA AND CANCER, SUSCEPTIBILITY TO. Identifiers: MedGen C1837315, MONDO:0012132, OMIM 608812.

gnomAD v4.1: 5 of 1,612,016 alleles (0.00031%); highest among the groups gnomAD compares: Admixed American, 0.0033%; no homozygotes.

Submissions (3):

Ambry Genetics
Classification: Uncertain significance. Last evaluated: 2025-02-10. Review status: criteria provided, single submitter. Criteria: Ambry Variant Classification Scheme 2023. Collection method: clinical testing. Allele origin: germline.
Comment: The p.R201G variant (also known as c.601C>G), located in coding exon 3 of the GALNT12 gene, results from a C to G substitution at nucleotide position 601. The arginine at codon 201 is replaced by glycine, an amino acid with dissimilar properties. This amino acid position is highly conserved in available vertebrate species. In addition, this alteration is predicted to be deleterious by in silico analysis. Since supporting evidence is limited at this time, the clinical significance of this alteration remains unclear.

Baylor Genetics
Classification: Uncertain significance for Colorectal cancer, susceptibility to, 1. Last evaluated: 2023-09-18. Review status: criteria provided, single submitter. Criteria: ACMG Guidelines, 2015. Collection method: clinical testing. Allele origin: unknown.

Labcorp Genetics (formerly Invitae), Labcorp
Classification: Uncertain significance. Last evaluated: 2023-01-24. Review status: criteria provided, single submitter. Criteria: Invitae Variant Classification Sherloc (09022015). Collection method: clinical testing. Allele origin: germline.
Comment: In summary, the available evidence is currently insufficient to determine the role of this variant in disease. Therefore, it has been classified as a Variant of Uncertain Significance. Advanced modeling of protein sequence and biophysical properties (such as structural, functional, and spatial information, amino acid conservation, physicochemical variation, residue mobility, and thermodynamic stability) performed at Invitae indicates that this missense variant is expected to disrupt GALNT12 protein function. ClinVar contains an entry for this variant (Variation ID: 826137). This variant has not been reported in the literature in individuals affected with GALNT12-related conditions. The frequency data for this variant in the population databases is considered unreliable, as metrics indicate poor data quality at this position in the gnomAD database. This sequence change replaces arginine, which is basic and polar, with glycine, which is neutral and non-polar, at codon 201 of the GALNT12 protein (p.Arg201Gly).